The following is an entry in ClinVar:

ClinVar aggregate classification (germline): Uncertain significance (1 of 4 stars; one submission).

Submission:

GeneDx
Classification: Uncertain significance. Last evaluated: 2023-12-07. Review status: criteria provided, single submitter. Criteria: GeneDx Variant Classification Process June 2021. Collection method: clinical testing. Allele origin: germline. Affected: yes.
Comment: Not observed at significant frequency in large population cohorts (gnomAD); In silico analysis supports that this missense variant has a deleterious effect on protein structure/function; Has not been previously published as pathogenic or benign to our knowledge

NM_181672.3(OGT):c.2039A>C (p.Asp680Ala)

Gene: OGT (O-linked N-acetylglucosamine (GlcNAc) transferase; plus strand). Cytogenetic location: Xq13.1.
Variant type: single nucleotide variant.
Coding change: c.2039A>C on transcript NM_181672.3 (MANE Select); coding-DNA position 2039, A replaced by C.
Protein change: p.Asp680Ala; replaces aspartic acid 680 with alanine.
Molecular consequence: missense variant.
Genome position (GRCh38, 1-based): chrX:71,562,908, A>C. VCF-style: chrX-71562908-A-C. GRCh37 (hg19) VCF-style: chrX-70782758-A-C.
Other names: c.2009A>C, p.Asp670Ala (NM_181673.3); short protein forms D670A, D680A.
Identifiers: ClinVar variation 3252384 (VCV003252384.1), dbSNP rs2522853615.